The following is an entry in ClinVar:

ClinVar aggregate classification (germline): Uncertain significance (1 of 4 stars; one submission).

Submission:

Labcorp Genetics (formerly Invitae), Labcorp
Classification: Uncertain significance. Last evaluated: 2024-05-29. Review status: criteria provided, single submitter. Criteria: Invitae Variant Classification Sherloc (09022015). Collection method: clinical testing. Allele origin: germline.
Comment: This sequence change replaces lysine, which is basic and polar, with glutamic acid, which is acidic and polar, at codon 153 of the RP9 protein (p.Lys153Glu). This variant is not present in population databases (gnomAD no frequency). This variant has not been reported in the literature in individuals affected with RP9-related conditions. An algorithm developed to predict the effect of missense changes on protein structure and function (PolyPhen-2) suggests that this variant is likely to be disruptive. In summary, the available evidence is currently insufficient to determine the role of this variant in disease. Therefore, it has been classified as a Variant of Uncertain Significance.

NM_203288.2(RP9):c.457A>G (p.Lys153Glu)

Gene: RP9 (RP9 pre-mRNA splicing factor; minus strand). Cytogenetic location: 7p14.3.
Variant type: single nucleotide variant.
Coding change: c.457A>G on transcript NM_203288.2 (MANE Select); coding-DNA position 457, A replaced by G.
Protein change: p.Lys153Glu; replaces lysine 153 with glutamic acid.
Molecular consequence: missense variant.
Genome position (GRCh38, 1-based): chr7:33,096,503, T>C on the plus strand (A>G on the coding strand, the complement: RP9 is on the minus strand). VCF-style: chr7-33096503-T-C. GRCh37 (hg19) VCF-style: chr7-33136115-T-C.
Other names: short protein forms K153E.
Identifiers: ClinVar variation 3690600 (VCV003690600.2).